The following is an entry in ClinVar:

NM_004380.3(CREBBP):c.62G>T (p.Gly21Val)

Genes: CREBBP (CREB binding lysine acetyltransferase; minus strand), LOC130058357 (ATAC-STARR-seq lymphoblastoid silent region 7141; plus strand). Cytogenetic location: 16p13.3.
Variant type: single nucleotide variant.
Coding change: c.62G>T on transcript NM_004380.3 (MANE Select); coding-DNA position 62, G replaced by T.
Protein change: p.Gly21Val; replaces glycine 21 with valine.
Molecular consequence: missense variant.
Genome position (GRCh38, 1-based): chr16:3,879,855, C>A on the plus strand (G>T on the coding strand, the complement: CREBBP is on the minus strand). VCF-style: chr16-3879855-C-A. GRCh37 (hg19) VCF-style: chr16-3929856-C-A.
Other names: c.62G>T, p.Gly21Val (NM_001079846.1); short protein forms G21V.
Identifiers: ClinVar variation 3349395 (VCV003349395.1).

ClinVar aggregate classification (germline): Uncertain significance (0 of 4 stars; one submission).

Conditions:
CREBBP-related disorder. Also called: CREBBP-related condition; CREBBP-related disorders.

Submission:

PreventionGenetics, part of Exact Sciences
Classification: Uncertain significance for CREBBP-related condition. Last evaluated: 2023-11-30. Review status: no assertion criteria provided. Collection method: clinical testing. Allele origin: germline.
Comment: The CREBBP c.62G>T variant is predicted to result in the amino acid substitution p.Gly21Val. To our knowledge, this variant has not been reported in the literature or in a large population database, indicating this variant is rare. At this time, the clinical significance of this variant is uncertain due to the absence of conclusive functional and genetic evidence.